The following is an entry in ClinVar:

NM_001005273.3(CHD3):c.5663G>A (p.Arg1888Gln)

Gene: CHD3 (chromodomain helicase DNA binding protein 3; plus strand). Cytogenetic location: 17p13.1.
Variant type: single nucleotide variant.
Coding change: c.5663G>A on transcript NM_001005273.3 (MANE Select); coding-DNA position 5663, G replaced by A.
Protein change: p.Arg1888Gln; replaces arginine 1888 with glutamine.
Molecular consequence: missense variant.
Genome position (GRCh38, 1-based): chr17:7,910,500, G>A. VCF-style: chr17-7910500-G-A. GRCh37 (hg19) VCF-style: chr17-7813818-G-A.
Other names: c.5840G>A, p.Arg1947Gln (NM_001005271.3); c.5561G>A, p.Arg1854Gln (NM_005852.4); short protein forms R1854Q, R1888Q, R1947Q.
Identifiers: ClinVar variation 1806323 (VCV001806323.1), dbSNP rs1230899870, ClinGen allele CA397950814.

ClinVar aggregate classification (germline): Likely pathogenic (1 of 4 stars; one submission).

Conditions:
Snijders Blok-Campeau syndrome. Also called: INTELLECTUAL DEVELOPMENTAL DISORDER WITH MACROCEPHALY, SPEECH DELAY, AND DYSMORPHIC FACIES. Identifiers: Orphanet 599082, MedGen C4748701, MONDO:0032600, OMIM 618205.

Allele frequency attached by ClinVar (database versions not stated): gnomAD exomes 0.00001; TOPMed 0.00001.
gnomAD v4.1: 10 of 1,613,900 alleles (0.00062%); highest among the groups gnomAD compares: East Asian, 0.0022%; no homozygotes.

Submission:

Victorian Clinical Genetics Services, Murdoch Childrens Research Institute
Classification: Likely pathogenic for Snijders Blok-Campeau syndrome. Last evaluated: 2020-06-11. Review status: criteria provided, single submitter. Criteria: ACMG Guidelines, 2015. Collection method: clinical testing. Allele origin: germline. Inheritance: Autosomal dominant inheritance. Affected: yes.
Comment: Based on the classification scheme VCGS_Germline_v1.1.1, this variant is classified as Likely Pathogenic. Following criteria are met: 0103 - Both loss- and gain-of-function are known mechanisms of disease for this gene (OMIM, PMID:30397230). (N) 0200 - Variant is predicted to result in a missense amino acid change from arginine to glutamine (exon 38). (N) 0251 - Variant is heterozygous. (N) 0107 - This gene is known to be associated with autosomal dominant disease. (N) 0302 - Variant is present in gnomAD <0.001 for a dominant condition (1 heterozygote, 0 homozygotes). (P) 0502 - Missense variant with conflicting in silico predictions and/or uninformative conservation. (N) 0600 - Variant is located in an annotated domain or motif (CHDCT2 domain; NCBI, PDB). (N) 0705 - No comparable variants have previous evidence for pathogenicity. (N) 0807 - Variant has not previously been reported in a clinical context. (N) 0903 - Low evidence for segregation with disease. (P) 1007 - No published functional evidence has been identified for this variant. (N) Legend: (P) - Pathogenic, (N) - Neutral, (B) - Benign

Literature cited by the submitters: PubMed 30397230.